The following is an entry in ClinVar:

NM_031310.3(PLVAP):c.1086del (p.Lys363fs)

Gene: PLVAP (plasmalemma vesicle associated protein; minus strand). Cytogenetic location: 19p13.11.
Variant type: Deletion.
Coding change: c.1086del on transcript NM_031310.3 (MANE Select); coding-DNA position 1086, one base deleted (C; older notation c.1086delC).
Protein change: p.Lys363fs; shifts the reading frame from lysine 363.
Molecular consequence: frameshift variant.
Genome position (GRCh38, 1-based): chr19:17,365,379, G deleted on the plus strand (C on the coding strand, the reverse complement: PLVAP is on the minus strand); the first of 2 consecutive G bases (chr19:17,365,379-17,365,380); deleting either gives the same sequence. VCF-style (leftmost placement, unchanged base first): chr19-17365378-TG-T. GRCh37 (hg19) VCF-style: chr19-17476187-TG-T.
Other names: c.1086delC (NM_031310.3); short protein forms K363fs.
Identifiers: ClinVar variation 2501702 (VCV002501702.1), dbSNP rs2513228819, ClinGen allele CA2580613081.
Genomic context (GRCh38, chr19:17,365,378, plus strand): 5'-TTCTGATGGCCAGCTCCATCCTGAGCTGCTCCGCCTCCCTCTTCTTCTCTTCCAGCTCCT[TG>T]GCCAGGTTGTCTCGTTCCTTCCGCAGCACCGCCTTCTCCTCCAGCGCTAGCTGGGTCTGC-3'

ClinVar aggregate classification (germline): Likely pathogenic (1 of 4 stars; one submission).

Conditions:
Diarrhea 10, protein-losing enteropathy type. Identifiers: MedGen C4748579, MONDO:0032586, OMIM 618183.

Submission:

Lifecell International Pvt. Ltd
Classification: Likely pathogenic for Diarrhea 10, protein-losing enteropathy type. Review status: criteria provided, single submitter. Criteria: ACMG Guidelines, 2015. Collection method: clinical testing. Allele origin: germline. Inheritance: Autosomal recessive inheritance. Affected: yes. Observed: 1 homozygote.
Comment: A Homozygote Frameshift variant c.1086delC in Exon 3 of the PLVAP gene that results in the amino acid substitution p.Lys363fs*35 was identified. The observed variant is novel in gnomAD exomes and genomes. The severity of the impact of this variant on the protein is high, based on the effect of the protein and REVEL score . Rare Exome Variant Ensemble Learner (REVEL) is an ensembl method for predicting the pathogenicity of missense variants based on a combination of scores from 13 individual tools: MutPred, FATHMM v2.3, VEST 3.0, PolyPhen-2, SIFT, PROVEAN, MutationAssessor, MutationTaster, LRT, GERP++, SiPhy, phyloP, and phastCons. The REVEL score for an individual missense variant can range from 0 to 1, with higher scores reflecting greater likelihood that the variant is disease-causing. Based on the above evidence this variant has been classified as Likely Pathogenic according to the ACMG guidelines.